The following is an entry in ClinVar:

NM_144573.4(NEXN):c.43T>C (p.Ser15Pro)

Gene: NEXN (nexilin F-actin binding protein; plus strand). Cytogenetic location: 1p31.1.
Variant type: single nucleotide variant.
Coding change: c.43T>C on transcript NM_144573.4 (MANE Select); coding-DNA position 43, T replaced by C.
Protein change: p.Ser15Pro; replaces serine 15 with proline.
Molecular consequence: missense variant. On other transcripts: intron variant (1).
Genome position (GRCh38, 1-based): chr1:77,917,581, T>C. VCF-style: chr1-77917581-T-C. GRCh37 (hg19) VCF-style: chr1-78383266-T-C.
Other names: c.28-379T>C (NM_001172309.2); short protein forms S15P.
Identifiers: ClinVar variation 2691225 (VCV002691225.2), dbSNP rs2526781130, ClinGen allele CA340884938.

ClinVar aggregate classification (germline): Uncertain significance. Review status: criteria provided, multiple submitters, no conflicts (2 of 4 stars). 2 submissions from 2 submitters: Uncertain significance (2). Last evaluated 2026-09-06.

Conditions:
Cardiomyopathy (CMYO). Also called: Cardiomyopathies. Identifiers: Orphanet 167848, MedGen C0878544, MONDO:0004994, HP:0001638. Inheritance: Various modes of inheritance.
Cardiovascular phenotype. Identifiers: MedGen CN230736.

Allele frequency attached by ClinVar (database versions not stated): gnomAD exomes 0.00001.
gnomAD v4.1: 8 of 1,613,092 alleles (0.0005%); highest among the groups gnomAD compares: Non-Finnish European, 0.00068%; no homozygotes.

Submissions (2):

Ambry Genetics
Classification: Uncertain significance for Cardiovascular phenotype. Last evaluated: 2026-09-06. Review status: criteria provided, single submitter. Criteria: Ambry Variant Classification Scheme 2023. Collection method: clinical testing. Allele origin: germline.
Comment: The p.S15P variant (also known as c.43T>C), located in coding exon 2 of the NEXN gene, results from a T to C substitution at nucleotide position 43. The serine at codon 15 is replaced by proline, an amino acid with similar properties. This amino acid position is conserved. In addition, the in silico prediction for this alteration is inconclusive. Based on the available evidence, the clinical significance of this variant remains unclear.

CHEO Genetics Diagnostic Laboratory, Children's Hospital of Eastern Ontario
Classification: Uncertain significance for Cardiomyopathy. Last evaluated: 2023-03-16. Review status: criteria provided, single submitter. Criteria: ACMG Guidelines, 2015. Collection method: clinical testing. Allele origin: germline.